The following is an entry in ClinVar:

NM_001048174.2(MUTYH):c.431A>T (p.Gln144Leu)

Gene: MUTYH (mutY DNA glycosylase; minus strand). Cytogenetic location: 1p34.1.
Variant type: single nucleotide variant.
Coding change: c.431A>T on transcript NM_001048174.2 (MANE Select); coding-DNA position 431, A replaced by T.
Protein change: p.Gln144Leu; replaces glutamine 144 with leucine.
Molecular consequence: missense variant. On other transcripts: non-coding transcript variant (7).
Genome position (GRCh38, 1-based): chr1:45,332,824, T>A on the plus strand (A>T on the coding strand, the complement: MUTYH is on the minus strand). VCF-style: chr1-45332824-T-A. GRCh37 (hg19) VCF-style: chr1-45798496-T-A.
Other names: c.431A>T, p.Gln144Leu (NM_001048171.2, NM_001048173.2, NM_001407070.1 and 6 more transcripts); c.434A>T, p.Gln145Leu (NM_001048172.2, NM_001407071.1, NM_001407078.1 and 1 more transcripts); c.464A>T, p.Gln155Leu (NM_001407069.1, NM_001407077.1, NM_001293191.2); c.347A>T, p.Gln116Leu (NM_001407075.1); c.392A>T, p.Gln131Leu (NM_001407079.1); c.506A>T, p.Gln169Leu (NM_012222.3); c.515A>T, p.Gln172Leu (NM_001128425.2); c.476A>T, p.Gln159Leu (NM_001293190.2); and 5 more; short protein forms Q116L, Q158L, Q159L, Q52L, Q145L, Q151L, Q29L, Q169L.
Identifiers: ClinVar variation 4113710 (VCV004113710.1).

ClinVar aggregate classification (germline): Uncertain significance (1 of 4 stars; one submission).

Conditions:
Hereditary cancer-predisposing syndrome. Also called: Hereditary neoplastic syndrome; Neoplastic Syndromes, Hereditary; Tumor predisposition; Hereditary Cancer Syndrome. Identifiers: Orphanet 140162, MedGen C0027672, MeSH D009386, MONDO:0015356.

Submission:

Ambry Genetics
Classification: Uncertain significance for Hereditary cancer-predisposing syndrome. Last evaluated: 2025-08-27. Review status: criteria provided, single submitter. Criteria: Ambry Variant Classification Scheme 2023. Collection method: clinical testing. Allele origin: germline.
Comment: The p.Q172L variant (also known as c.515A>T), located in coding exon 7 of the MUTYH gene, results from an A to T substitution at nucleotide position 515. The glutamine at codon 172 is replaced by leucine, an amino acid with dissimilar properties. This amino acid position is conserved. In addition, the in silico prediction for this alteration is inconclusive. Based on the available evidence, the clinical significance of this variant remains unclear.